The following is an entry in ClinVar:

ClinVar aggregate classification (germline): Uncertain significance (1 of 4 stars; one submission).

Allele frequency attached by ClinVar (database versions not stated): gnomAD exomes below 0.00001; ExAC 0.00001.
gnomAD v4.1: 2 of 1,614,208 alleles (0.00012%); highest among the groups gnomAD compares: Non-Finnish European, 0.00017%; no homozygotes.

Submission:

Labcorp Genetics (formerly Invitae), Labcorp
Classification: Uncertain significance. Last evaluated: 2025-09-29. Review status: criteria provided, single submitter. Criteria: Invitae Variant Classification Sherloc (09022015). Collection method: clinical testing. Allele origin: germline.
Comment: This sequence change replaces histidine, which is basic and polar, with leucine, which is neutral and non-polar, at codon 1206 of the SETBP1 protein (p.His1206Leu). This variant is present in population databases (rs770033652, gnomAD 0.002%). This variant has not been reported in the literature in individuals affected with SETBP1-related conditions. ClinVar contains an entry for this variant (Variation ID: 2182771). Invitae Evidence Modeling of protein sequence and biophysical properties (such as structural, functional, and spatial information, amino acid conservation, physicochemical variation, residue mobility, and thermodynamic stability) indicates that this missense variant is not expected to disrupt SETBP1 protein function with a negative predictive value of 80%. In summary, the available evidence is currently insufficient to determine the role of this variant in disease. Therefore, it has been classified as a Variant of Uncertain Significance.

NM_015559.3(SETBP1):c.3617A>T (p.His1206Leu)

Gene: SETBP1 (SET binding protein 1; plus strand). Cytogenetic location: 18q12.3.
Variant type: single nucleotide variant.
Coding change: c.3617A>T on transcript NM_015559.3 (MANE Select); coding-DNA position 3617, A replaced by T.
Protein change: p.His1206Leu; replaces histidine 1206 with leucine.
Molecular consequence: missense variant.
Genome position (GRCh38, 1-based): chr18:44,952,957, A>T. VCF-style: chr18-44952957-A-T. GRCh37 (hg19) VCF-style: chr18-42532922-A-T.
Other names: c.3617A>T, p.His1206Leu (NM_001379141.1, NM_001379142.1, NM_001410862.1); short protein forms H1206L.
Identifiers: ClinVar variation 2182771 (VCV002182771.4), dbSNP rs770033652, ClinGen allele CA8945945.